The following is an entry in ClinVar:

ClinVar aggregate classification (germline): Benign/Likely benign. Review status: criteria provided, multiple submitters, no conflicts (2 of 4 stars). 3 submissions from 3 submitters: Benign (1); Likely benign (1). 1 of the submissions does not count toward it. Last evaluated 2025-05-01.

Conditions:
Cataract 33. Also called: CATARACT 33, CORTICAL. Identifiers: Orphanet 91492, MedGen C3808107, MONDO:0012665, OMIM 611391.
BFSP1-related disorder. Also called: BFSP1-related condition.

Allele frequency attached by ClinVar (database versions not stated): gnomAD exomes 0.00016 and 0.00043; ExAC 0.00054; TOPMed 0.00189; gnomAD 0.00204 and 0.00210; ESP Exome Variant Server 0.00215; 1000 Genomes Project 0.00319; 1000 Genomes Project 30x 0.00328.
gnomAD v4.1: 545 of 1,614,140 alleles (0.034%); highest among the groups gnomAD compares: African/African-American, 0.67%; no homozygotes.

Submissions (3):

CeGaT Center for Human Genetics Tuebingen
Classification: Likely benign. Last evaluated: 2025-05-01. Review status: criteria provided, single submitter. Criteria: CeGaT Center For Human Genetics Tuebingen Variant Classification Criteria Version 2. Collection method: clinical testing. Allele origin: germline. Affected: yes. Observed: 1 variant allele.
Comment: BFSP1: BP4, BP7

Labcorp Genetics (formerly Invitae), Labcorp
Classification: Benign for Cataract 33. Last evaluated: 2024-09-26. Review status: criteria provided, single submitter. Criteria: Invitae Variant Classification Sherloc (09022015). Collection method: clinical testing. Allele origin: germline.

PreventionGenetics, part of Exact Sciences
Classification: Likely benign for BFSP1-related condition. Last evaluated: 2024-05-16. Review status: no assertion criteria provided. Collection method: clinical testing. Allele origin: germline. Not counted in ClinVar's aggregate classification.
Comment: This variant is classified as likely benign based on ACMG/AMP sequence variant interpretation guidelines (Richards et al. 2015 PMID: 25741868, with internal and published modifications).

NM_001195.5(BFSP1):c.762A>G (p.Lys254=)

Gene: BFSP1 (beaded filament structural protein 1; minus strand). Cytogenetic location: 20p12.1.
Variant type: single nucleotide variant.
Coding change: c.762A>G on transcript NM_001195.5 (MANE Select); coding-DNA position 762, A replaced by G.
Protein change: p.Lys254=; no amino-acid change (lysine 254 retained).
Molecular consequence: synonymous variant.
Genome position (GRCh38, 1-based): chr20:17,499,014, T>C on the plus strand (A>G on the coding strand, the complement: BFSP1 is on the minus strand). VCF-style: chr20-17499014-T-C. GRCh37 (hg19) VCF-style: chr20-17479659-T-C.
Other names: c.387A>G, p.Lys129= (NM_001161705.2); c.345A>G, p.Lys115= (NM_001278606.2, NM_001278608.2); c.429A>G, p.Lys143= (NM_001278607.2).
Identifiers: ClinVar variation 474091 (VCV000474091.17), dbSNP rs35042144, ClinGen allele CA9772207.